The following is an entry in ClinVar:

NM_198253.3(TERT):c.3296-8C>G

Gene: TERT (telomerase reverse transcriptase; minus strand). Cytogenetic location: 5p15.33.
Variant type: single nucleotide variant.
Coding change: c.3296-8C>G on transcript NM_198253.3 (MANE Select); 8 bases into the intron before coding-DNA position 3296, C replaced by G.
Molecular consequence: intron variant.
Genome position (GRCh38, 1-based): chr5:1,253,839, G>C on the plus strand (C>G on the coding strand, the complement: TERT is on the minus strand). VCF-style: chr5-1253839-G-C. GRCh37 (hg19) VCF-style: chr5-1253954-G-C.
Other names: c.3107-8C>G (NM_001193376.3).
Identifiers: ClinVar variation 4788345 (VCV004788345.1).

ClinVar aggregate classification (germline): Uncertain significance (1 of 4 stars; one submission).

Conditions:
Idiopathic Pulmonary Fibrosis. Also called: Idiopathic fibrosing alveolitis, chronic form; idiopathic fibrosing alveolitis. Identifiers: Orphanet 2032, MedGen C1800706, MeSH D054990, MONDO:0800504.
Dyskeratosis congenita, autosomal dominant 2. Identifiers: MedGen C3151443, MONDO:0013521, OMIM 613989.

Submission:

Labcorp Genetics (formerly Invitae), Labcorp
Classification: Uncertain significance for Dyskeratosis congenita, autosomal dominant 2; Idiopathic Pulmonary Fibrosis. Last evaluated: 2025-10-20. Review status: criteria provided, single submitter. Criteria: Invitae Variant Classification Sherloc (09022015). Collection method: clinical testing. Allele origin: germline.
Comment: This sequence change falls in intron 15 of the TERT gene. It does not directly change the encoded amino acid sequence of the TERT protein. This variant is not present in population databases (gnomAD no frequency). This variant has not been reported in the literature in individuals affected with TERT-related conditions. Algorithms developed to predict the effect of sequence changes on RNA splicing suggest that this variant may disrupt the consensus splice site. In summary, the available evidence is currently insufficient to determine the role of this variant in disease. Therefore, it has been classified as a Variant of Uncertain Significance.